The following is an entry in ClinVar:

NM_032043.3(BRIP1):c.1941G>T (p.Trp647Cys)

Gene: BRIP1 (BRCA1 interacting DNA helicase 1; minus strand). Cytogenetic location: 17q23.2.
Variant type: single nucleotide variant.
Coding change: c.1941G>T on transcript NM_032043.3 (MANE Select); coding-DNA position 1941, G replaced by T.
Protein change: p.Trp647Cys; replaces tryptophan 647 with cysteine.
Molecular consequence: missense variant.
Genome position (GRCh38, 1-based): chr17:61,776,557, C>A on the plus strand (G>T on the coding strand, the complement: BRIP1 is on the minus strand). VCF-style: chr17-61776557-C-A. GRCh37 (hg19) VCF-style: chr17-59853918-C-A.
Other names: short protein forms W647C.
Identifiers: ClinVar variation 186189 (VCV000186189.32), dbSNP rs786202760, ClinGen allele CA194104.

ClinVar aggregate classification (germline): Uncertain significance. Review status: criteria provided, multiple submitters, no conflicts (2 of 4 stars). 11 submissions from 10 submitters: Uncertain significance (9). 2 of the submissions do not count toward it. Last evaluated 2026-03-12.

Conditions:
BRIP1-related disorder. Also called: BRIP1-related condition; BRIP1-related disorders. Identifiers: MedGen CN239206.
Familial cancer of breast. Also called: Hereditary breast cancer; BREAST CANCER, FAMILIAL; hereditary breast carcinoma. Identifiers: Orphanet 227535, MedGen C0346153, MONDO:0016419, OMIM 114480. Disease mechanism: loss of function.
Fanconi anemia complementation group J. Also called: BRIP1-Related Fanconi Anemia. Identifiers: Orphanet 84, MedGen C1836860, MONDO:0012187, OMIM 609054.
Ovarian cancer. Also called: OVARIAN CANCER, SOMATIC. Identifiers: Orphanet 213500, MedGen C1140680, MONDO:0008170, OMIM 167000.
Hereditary cancer-predisposing syndrome. Also called: Neoplastic Syndromes, Hereditary; Tumor predisposition; Hereditary neoplastic syndrome; Hereditary Cancer Syndrome. Identifiers: Orphanet 140162, MedGen C0027672, MeSH D009386, MONDO:0015356.

gnomAD v4.1: 1 of 1,613,870 alleles (0.000062%); highest among the groups gnomAD compares: Non-Finnish European, 0.000085%; no homozygotes.

Submissions (11):

PreventionGenetics, part of Exact Sciences
Classification: Uncertain significance for BRIP1-related condition. Last evaluated: 2026-03-12. Review status: criteria provided, single submitter. Criteria: ACMG Guidelines, 2015. Collection method: clinical testing. Allele origin: germline.
Comment: The BRIP1 c.1941G>T variant is predicted to result in the amino acid substitution p.Trp647Cys. This variant has been reported in an individual with breast cancer; however this patient also harbored other variants in known cancer genes (Lajus et al. 2015. PubMed ID: 25981591). This variant has also been reported in the compound heterozygous state in an individual with Fanconi anemia (Bharti et al. 2018. PubMed ID: 29788478). In vitro functional analysis suggests the p.Trp647Cys variant results in inactive helicase activity (Bharti et al. 2018. PubMed ID: 29788478). This variant has not been reported in a large population database (gnomAD), indicating this variant is rare. This variant is interpreted as uncertain in ClinVar (Variation ID: 186189). At this time, the clinical significance of this variant is uncertain due to the absence of conclusive functional and genetic evidence.

Labcorp Genetics (formerly Invitae), Labcorp
Classification: Uncertain significance for Familial cancer of breast; Fanconi anemia complementation group J. Last evaluated: 2026-01-21. Review status: criteria provided, single submitter. Criteria: Invitae Variant Classification Sherloc (09022015). Collection method: clinical testing. Allele origin: germline.
Comment: This sequence change replaces tryptophan, which is neutral and slightly polar, with cysteine, which is neutral and slightly polar, at codon 647 of the BRIP1 protein (p.Trp647Cys). This variant is not present in population databases (gnomAD no frequency). This missense change has been observed in individual(s) with breast cancer (PMID: 25981591). ClinVar contains an entry for this variant (Variation ID: 186189). Invitae Evidence Modeling of protein sequence and biophysical properties (such as structural, functional, and spatial information, amino acid conservation, physicochemical variation, residue mobility, and thermodynamic stability) indicates that this missense variant is expected to disrupt BRIP1 protein function with a positive predictive value of 95%. Experimental studies have shown that this missense change affects BRIP1 function (PMID: 29788478). In summary, the available evidence is currently insufficient to determine the role of this variant in disease. Therefore, it has been classified as a Variant of Uncertain Significance.

Ambry Genetics
Classification: Uncertain significance for Hereditary cancer-predisposing syndrome. Last evaluated: 2025-10-16. Review status: criteria provided, single submitter. Criteria: Ambry Variant Classification Scheme 2023. Collection method: clinical testing. Allele origin: germline.
Comment: The p.W647C variant (also known as c.1941G>T), located in coding exon 13 of the BRIP1 gene, results from a G to T substitution at nucleotide position 1941. The tryptophan at codon 647 is replaced by cysteine, an amino acid with highly dissimilar properties. Functional assays indicate this alteration inactivates the helicase activity of the protein, and severely compromises its ability to hydrolyze ATP (Bharti SK et al. Nucleic Acids Res., 2018 Jul;46:6238-6256). This amino acid position is highly conserved in available vertebrate species. In addition, this alteration is predicted to be deleterious by in silico analysis. Based on the available evidence, the clinical significance of this variant remains unclear.

Baylor Genetics
Classification: Uncertain significance for Familial cancer of breast. Last evaluated: 2023-09-02. Review status: criteria provided, single submitter. Criteria: ACMG Guidelines, 2015. Collection method: clinical testing. Allele origin: unknown.

Color Diagnostics, LLC DBA Color Health
Classification: Uncertain significance for Hereditary cancer-predisposing syndrome. Last evaluated: 2023-04-11. Review status: criteria provided, single submitter. Criteria: ACMG Guidelines, 2015. Collection method: clinical testing. Allele origin: germline.
Comment: This missense variant replaces tryptophan with cysteine at codon 647 of the BRIP1 protein. Computational prediction suggests that this variant may have deleterious impact on protein structure and function (internally defined REVEL score threshold >= 0.7, PMID: 27666373). A functional study has shown that this variant protein displays reduced helicase activity in an in vitro assay (PMID: 29788478). While this variant has not been reported in individuals affected with BRIP1-associated diseases in the literature, a different variant (c.1941G>C) resulting in the same amino acid change has been reported in individuals affected with Fanconi anemia and breast cancer (PMID: 16116423, 25981591). This variant has not been identified in the general population by the Genome Aggregation Database (gnomAD). The available evidence is insufficient to determine the role of this variant in disease conclusively. Therefore, this variant is classified as a Variant of Uncertain Significance.

Myriad Genetics, Inc.
Classification: Uncertain significance for Familial cancer of breast. Last evaluated: 2023-02-28. Review status: criteria provided, single submitter. Criteria: Myriad Autosomal Dominant, Autosomal Recessive and X-Linked Classification Criteria (2023). Collection method: clinical testing. Allele origin: unknown.
Comment: This variant is classified as a variant of uncertain significance as there is insufficient evidence to determine its impact on protein function and/or cancer risk.

GeneDx
Classification: Uncertain significance. Last evaluated: 2022-03-02. Review status: criteria provided, single submitter. Criteria: GeneDx Variant Classification Process June 2021. Collection method: clinical testing. Allele origin: germline. Affected: yes.
Comment: Observed in individuals with breast cancer (Fonfria 2021); Not observed at significant frequency in large population cohorts (gnomAD); In silico analysis supports that this missense variant has a deleterious effect on protein structure/function; Another substitution, BRIP1 1941G>C, resulting in the same Trp647Cys missense variant has been observed in at least one individual with breast cancer and has been co-observed with a second BRIP1 variant, phase unknown, in an individual with Fanconi anemia (Levitus 2005, Lajus 2015). Furthermore BRIP1 1941G>C (Trp647Cys) has been associated with absent helicase activity and reduced ATP hydrolysis (Bharti 2018).; This variant is associated with the following publications: (PMID: 16116423, 29368626, 23276657, 17145708, 29788478, 25981591, 34204722)

Fulgent Genetics
Classification: Uncertain significance for Familial cancer of breast; Fanconi anemia complementation group J. Last evaluated: 2022-02-05. Review status: criteria provided, single submitter. Criteria: ACMG Guidelines, 2015. Collection method: clinical testing. Allele origin: unknown.

Women's Health and Genetics/Laboratory Corporation of America, LabCorp
Classification: Uncertain significance. Last evaluated: 2021-10-18. Review status: criteria provided, single submitter. Criteria: LabCorp Variant Classification Summary - May 2015. Collection method: clinical testing. Allele origin: germline.
Comment: Variant summary: BRIP1 c.1941G>T (p.Trp647Cys) results in a non-conservative amino acid change in the encoded protein sequence. Four of five in-silico tools predict a damaging effect of the variant on protein function. The variant was absent in 251268 control chromosomes. c.1941G>T has been reported in the literature as a VUS in settings of multigene panel testing in at-least two individuals affected with high-risk features for hereditary breast and ovarian cancer (HBOC) and with a previous uninformative result for BRCA1/2 (Fonfria_2021). One of these individuals reported a triple negative subtype (ER/PR/HER2), while the other reported a triple positive subtype of breast cancer. Furthermore, a different nucleotide substitution, c.1941G>C, that results in an identical amino acid substitution, namely p.Trp647Cys, has been identified along with another FANCJ (BRIP1) allele in an individual affected with Fanconi Anemia (Levitus_2005). Another study reported this specific nucleotide variant in controls but not in breast cancer cases (Weber-Lassalle_2018). Some reports do not specify the exact nucleotide alteration and limit reporting to the affected protein (example, Guo_2016, Bharti_2018 described below). Therefore, these report(s) do not provide unequivocal conclusions about association of the variant with Hereditary Breast And Ovarian Cancer Syndrome. At least one publication reports experimental evidence evaluating an impact on protein function (Bharti_2018). The most pronounced variant effect results in <10% of normal helicase activity as evidenced by a decrease in Kcat for ATP hydrolysis in a recombinant FANCJ protein expressing baculovirus system. Four clinical diagnostic laboratories have submitted clinical-significance assessments for this variant to ClinVar after 2014 without evidence for independent evaluation. All laboratories classified the variant as uncertain significance. Some submitters cite overlapping evidence utilized in the context of this evaluation. Based on the evidence outlined above, the variant was classified as VUS-possibly pathogenic.

Counsyl
Classification: Uncertain significance for Fanconi anemia complementation group J. Last evaluated: 2016-09-07. Review status: no assertion criteria provided. Collection method: clinical testing. Allele origin: unknown. Not counted in ClinVar's aggregate classification.

Counsyl
Classification: Uncertain significance for Ovarian cancer. Last evaluated: 2016-09-07. Review status: no assertion criteria provided. Collection method: clinical testing. Allele origin: unknown. Not counted in ClinVar's aggregate classification.

Literature cited by the submitters: PubMed 25981591 (cited by 4 submitters); PubMed 29788478 (cited by 4 submitters); PubMed 16116423 (cited by 3 submitters); PubMed 27107905 (cited by Ambry Genetics and Women's Health and Genetics/Laboratory Corporation of America, LabCorp); PubMed 29368626 (cited by Ambry Genetics and Women's Health and Genetics/Laboratory Corporation of America, LabCorp); PubMed 34204722 (cited by Women's Health and Genetics/Laboratory Corporation of America, LabCorp).